The following is an entry in ClinVar:

ClinVar aggregate classification (germline): Uncertain significance (1 of 4 stars; one submission).

Conditions:
Carnitine palmitoyltransferase II deficiency. Also called: Carnitine Palmitoyltransferase 2 Deficiency. Identifiers: Orphanet 157, MedGen C0342790, MONDO:0015515.

Allele frequency attached by ClinVar (database versions not stated): ExAC 0.00001; gnomAD exomes 0.00001.
gnomAD v4.1: 7 of 1,614,040 alleles (0.00043%); highest among the groups gnomAD compares: South Asian, 0.0077%; no homozygotes.

Submission:

Labcorp Genetics (formerly Invitae), Labcorp
Classification: Uncertain significance for Carnitine palmitoyltransferase II deficiency. Last evaluated: 2021-08-24. Review status: criteria provided, single submitter. Criteria: Invitae Variant Classification Sherloc (09022015). Collection method: clinical testing. Allele origin: germline.
Comment: This sequence change replaces valine with isoleucine at codon 128 of the CPT2 protein (p.Val128Ile). The valine residue is highly conserved and there is a small physicochemical difference between valine and isoleucine. This variant is present in population databases (rs769160926, ExAC 0.006%). This variant has not been reported in the literature in individuals affected with CPT2-related conditions. Algorithms developed to predict the effect of missense changes on protein structure and function are either unavailable or do not agree on the potential impact of this missense change (SIFT: "Tolerated"; PolyPhen-2: "Possibly Damaging"; Align-GVGD: "Class C0"). In summary, the available evidence is currently insufficient to determine the role of this variant in disease. Therefore, it has been classified as a Variant of Uncertain Significance.

NM_000098.3(CPT2):c.382G>A (p.Val128Ile)

Gene: CPT2 (carnitine palmitoyltransferase 2; plus strand). Cytogenetic location: 1p32.3.
Variant type: single nucleotide variant.
Coding change: c.382G>A on transcript NM_000098.3 (MANE Select); coding-DNA position 382, G replaced by A.
Protein change: p.Val128Ile; replaces valine 128 with isoleucine.
Molecular consequence: missense variant.
Genome position (GRCh38, 1-based): chr1:53,210,056, G>A. VCF-style: chr1-53210056-G-A. GRCh37 (hg19) VCF-style: chr1-53675728-G-A.
Other names: c.382G>A, p.Val128Ile (NM_001330589.2); short protein forms V128I.
Identifiers: ClinVar variation 1422390 (VCV001422390.5), dbSNP rs769160926, ClinGen allele CA858976.